The following is an entry in ClinVar:

NM_022765.4(MICAL1):c.407G>A (p.Arg136Gln)

Gene: MICAL1 (microtubule associated monooxygenase, calponin and LIM domain containing 1; minus strand). Cytogenetic location: 6q21.
Variant type: single nucleotide variant.
Coding change: c.407G>A on transcript NM_022765.4 (MANE Select); coding-DNA position 407, G replaced by A.
Protein change: p.Arg136Gln; replaces arginine 136 with glutamine.
Molecular consequence: missense variant.
Genome position (GRCh38, 1-based): chr6:109,453,697, C>T on the plus strand (G>A on the coding strand, the complement: MICAL1 is on the minus strand). VCF-style: chr6-109453697-C-T. GRCh37 (hg19) VCF-style: chr6-109774900-C-T.
Other names: c.407G>A, p.Arg136Gln (NM_001159291.2); c.464G>A, p.Arg155Gln (NM_001286613.2); short protein forms R155Q, R136Q.
Identifiers: ClinVar variation 2975525 (VCV002975525.3), dbSNP rs769284182, ClinGen allele CA3953794.

ClinVar aggregate classification (germline): Uncertain significance (1 of 4 stars; one submission).

Allele frequency attached by ClinVar (database versions not stated): TOPMed 0.00001; gnomAD exomes 0.00002; gnomAD 0.00002; ExAC 0.00003; 1000 Genomes Project 30x 0.00016.
gnomAD v4.1: 26 of 1,613,880 alleles (0.0016%); highest among the groups gnomAD compares: South Asian, 0.016%; no homozygotes.

Submission:

Labcorp Genetics (formerly Invitae), Labcorp
Classification: Uncertain significance. Last evaluated: 2025-12-30. Review status: criteria provided, single submitter. Criteria: Invitae Variant Classification Sherloc (09022015). Collection method: clinical testing. Allele origin: germline.
Comment: This sequence change replaces arginine, which is basic and polar, with glutamine, which is neutral and polar, at codon 155 of the MICAL1 protein (p.Arg155Gln). This variant is present in population databases (rs769284182, gnomAD 0.01%). This variant has not been reported in the literature in individuals affected with MICAL1-related conditions. ClinVar contains an entry for this variant (Variation ID: 2975525). An algorithm developed to predict the effect of missense changes on protein structure and function (PolyPhen-2) suggests that this variant is likely to be disruptive. In summary, the available evidence is currently insufficient to determine the role of this variant in disease. Therefore, it has been classified as a Variant of Uncertain Significance.